The following is an entry in ClinVar:

NM_001111.5(ADAR):c.2342A>G (p.Lys781Arg)

Gene: ADAR (adenosine deaminase RNA specific; minus strand). Cytogenetic location: 1q21.3.
Variant type: single nucleotide variant.
Coding change: c.2342A>G on transcript NM_001111.5 (MANE Select); coding-DNA position 2342, A replaced by G.
Protein change: p.Lys781Arg; replaces lysine 781 with arginine.
Molecular consequence: missense variant.
Genome position (GRCh38, 1-based): chr1:154,590,338, T>C on the plus strand (A>G on the coding strand, the complement: ADAR is on the minus strand). VCF-style: chr1-154590338-T-C. GRCh37 (hg19) VCF-style: chr1-154562814-T-C.
Other names: c.1457A>G, p.Lys486Arg (NM_001365048.1, NM_001365049.1, NM_001025107.3 and 3 more transcripts); c.2342A>G, p.Lys781Arg (NM_015840.4); c.2285A>G, p.Lys762Arg (NM_015841.4); c.2369A>G, p.Lys790Arg (NM_001365045.1); short protein forms K790R, K486R, K781R, K762R.
Identifiers: ClinVar variation 4782872 (VCV004782872.1).

ClinVar aggregate classification (germline): Uncertain significance (1 of 4 stars; one submission).

Conditions:
Aicardi-Goutieres syndrome 6 (AGS6). Identifiers: Orphanet 51, MedGen C3539013, MONDO:0014007, OMIM 615010.
Symmetrical dyschromatosis of extremities (DSH). Also called: Dyschromatosis symmetrica hereditaria; DYSCHROMATOSIS SYMMETRICA HEREDITARIA 1; RETICULATE ACROPIGMENTATION OF DOHI; SYMMETRIC DYSCHROMATOSIS OF THE EXTREMITIES. Identifiers: Orphanet 41, MedGen C0406775, MONDO:0007483, OMIM 127400.

Submission:

Labcorp Genetics (formerly Invitae), Labcorp
Classification: Uncertain significance for Aicardi-Goutieres syndrome 6; Symmetrical dyschromatosis of extremities. Last evaluated: 2025-05-14. Review status: criteria provided, single submitter. Criteria: Invitae Variant Classification Sherloc (09022015). Collection method: clinical testing. Allele origin: germline.
Comment: This sequence change replaces lysine, which is basic and polar, with arginine, which is basic and polar, at codon 781 of the ADAR protein (p.Lys781Arg). This variant is not present in population databases (gnomAD no frequency). This variant has not been reported in the literature in individuals affected with ADAR-related conditions. Invitae Evidence Modeling of protein sequence and biophysical properties (such as structural, functional, and spatial information, amino acid conservation, physicochemical variation, residue mobility, and thermodynamic stability) has been performed for this missense variant. However, the output from this modeling did not meet the statistical confidence thresholds required to predict the impact of this variant on ADAR protein function. In summary, the available evidence is currently insufficient to determine the role of this variant in disease. Therefore, it has been classified as a Variant of Uncertain Significance.